The following is an entry in ClinVar:

NM_000212.3(ITGB3):c.1366A>C (p.Thr456Pro)

Gene: ITGB3 (integrin subunit beta 3; plus strand). Cytogenetic location: 17q21.32.
Variant type: single nucleotide variant.
Coding change: c.1366A>C on transcript NM_000212.3 (MANE Select); coding-DNA position 1366, A replaced by C.
Protein change: p.Thr456Pro; replaces threonine 456 with proline.
Molecular consequence: missense variant.
Genome position (GRCh38, 1-based): chr17:47,292,244, A>C. VCF-style: chr17-47292244-A-C. GRCh37 (hg19) VCF-style: chr17-45369610-A-C.
Other names: short protein forms T456P.
Identifiers: ClinVar variation 626993 (VCV000626993.6), dbSNP rs1598694640, ClinGen allele CA400028942.

ClinVar aggregate classification (germline): Uncertain significance. Review status: reviewed by expert panel (3 of 4 stars). 2 submissions from 2 submitters: Uncertain significance (1). 1 of the submissions does not count toward it. Last evaluated 2024-05-02.

Conditions:
Glanzmann thrombasthenia. Also called: BLEEDING DISORDER, PLATELET-TYPE, 2; THROMBASTHENIA OF GLANZMANN AND NAEGELI; Thrombasthenia; PLATELET GLYCOPROTEIN IIb-IIIa DEFICIENCY; Glanzmann's thrombasthenia. Identifiers: Orphanet 849, MedGen C0040015, MONDO:0100326.

Allele frequency attached by ClinVar (database versions not stated): gnomAD exomes 0.00001.
gnomAD v4.1: 13 of 1,614,190 alleles (0.00081%); highest among the groups gnomAD compares: Non-Finnish European, 0.0011%; no homozygotes.

Submissions (2):

ClinGen Platelet Disorders Variant Curation Expert Panel, ClinGen
Classification: Uncertain significance for Glanzmann thrombasthenia. Last evaluated: 2024-05-02. Review status: reviewed by expert panel. Criteria: ClinGen Platelet ACMG Specifications v2-1. Collection method: curation. Allele origin: germline. Inheritance: Autosomal recessive inheritance.
Comment: This missense variant, c.1366A>C (p.Thr456Pro), has been reported twice in Glanzmann thrombasthenia patients (PMID: 31064749 and PMID: 32581362). One patient was homozygous (PMID: 31064749; PM3_supporting) and the other compound heterozygous with an insertion of an SVA retrotransposon element predicted to induce nonsense mediated decay (PMID: 32581362). The highest population minor allele frequency in gnomAD v4.0.0 is 0.00001169 (13/1112008 alleles) in the European (non-Finnish) population, which is lower than the ClinGen PD VCEP threshold (<0.0001; PM2_Supporting). The REVEL score is 0.305, below the 0.7 threshold for PP3 but above the <0.25 threshold for BP4 and SplieAI predicts no impact on splicing. In summary, this variant meets criteria to be classified as VUS for GT. GT-specific criteria applied: PM2_supporting, PM3_supporting.

NIHR Bioresource Rare Diseases, University of Cambridge
Classification: Likely pathogenic for Glanzmann thrombasthenia 1. Last evaluated: 2019-02-01. Review status: criteria provided, single submitter. Criteria: ACMG Guidelines, 2015. Collection method: research. Allele origin: unknown. Affected: yes. Observed: 1 homozygote. Study: ThromboGenomics. Not counted in ClinVar's aggregate classification.

Literature cited by the submitters: PubMed 31064749 (cited by NIHR Bioresource Rare Diseases, University of Cambridge).